The following is an entry in ClinVar:

NM_000642.3(AGL):c.2681+2T>G

Gene: AGL (amylo-alpha-1,6-glucosidase and 4-alpha-glucanotransferase; plus strand). Cytogenetic location: 1p21.2.
Variant type: single nucleotide variant.
Coding change: c.2681+2T>G on transcript NM_000642.3 (MANE Select); the canonical splice donor site of the intron after coding-DNA position 2681, T replaced by G.
Molecular consequence: splice donor variant. On other transcripts: intron variant (1).
Genome position (GRCh38, 1-based): chr1:99,884,705, T>G. VCF-style: chr1-99884705-T-G. GRCh37 (hg19) VCF-style: chr1-100350261-T-G.
Other names: c.2681+2T>G (NM_000643.3, NM_000644.3, NM_001425326.1 and 2 more transcripts); c.2633+2T>G (NM_000646.3); c.2480+2T>G (NM_001425327.1); c.2477+2T>G (NM_001425328.1); c.2342+254T>G (NM_001425329.1); c.2303+2T>G (NM_001425332.1).
Identifiers: ClinVar variation 2129114 (VCV002129114.4), dbSNP rs2524678291, ClinGen allele CA341322197.

ClinVar aggregate classification (germline): Pathogenic (1 of 4 stars; one submission).

Conditions:
Glycogen storage disease type III (GSD3). Also called: Cori disease; FORBES DISEASE. Identifiers: Orphanet 366, MedGen C0017922, MONDO:0009291, OMIM 232400.

Allele frequency attached by ClinVar (database versions not stated): gnomAD exomes below 0.00001.
gnomAD v4.1: 1 of 1,613,906 alleles (0.000062%); highest among the groups gnomAD compares: Non-Finnish European, 0.000085%; no homozygotes.

Submission:

Labcorp Genetics (formerly Invitae), Labcorp
Classification: Pathogenic for Glycogen storage disease type III. Last evaluated: 2022-04-22. Review status: criteria provided, single submitter. Criteria: Invitae Variant Classification Sherloc (09022015). Collection method: clinical testing. Allele origin: germline.
Comment: Disruption of this splice site has been observed in individuals with glycogen storage disease (PMID: 10472540, 16705713). For these reasons, this variant has been classified as Pathogenic. Algorithms developed to predict the effect of sequence changes on RNA splicing suggest that this variant may disrupt the consensus splice site. This variant is not present in population databases (gnomAD no frequency). This sequence change affects a donor splice site in intron 20 of the AGL gene. It is expected to disrupt RNA splicing. Variants that disrupt the donor or acceptor splice site typically lead to a loss of protein function (PMID: 16199547), and loss-of-function variants in AGL are known to be pathogenic (PMID: 19299494).

Literature cited by the submitters: PubMed 10472540; PubMed 16705713; PubMed 16199547; PubMed 19299494.